The following is an entry in ClinVar:

ClinVar aggregate classification (germline): Uncertain significance (1 of 4 stars; one submission).

Conditions:
Hereditary cancer-predisposing syndrome. Also called: Neoplastic Syndromes, Hereditary; Tumor predisposition; Hereditary Cancer Syndrome; Hereditary neoplastic syndrome. Identifiers: Orphanet 140162, MedGen C0027672, MeSH D009386, MONDO:0015356.

Submission:

Ambry Genetics
Classification: Uncertain significance for Hereditary cancer-predisposing syndrome. Last evaluated: 2021-03-04. Review status: criteria provided, single submitter. Criteria: Ambry Variant Classification Scheme 2023. Collection method: clinical testing. Allele origin: germline.
Comment: The p.I611S variant (also known as c.1832T>G), located in coding exon 11 of the PMS2 gene, results from a T to G substitution at nucleotide position 1832. The isoleucine at codon 611 is replaced by serine, an amino acid with dissimilar properties. This amino acid position is not well conserved in available vertebrate species. In addition, this alteration is predicted to be tolerated by in silico analysis. Since supporting evidence is limited at this time, the clinical significance of this alteration remains unclear. Since supporting evidence is limited at this time, the clinical significance of this alteration remains unclear.

NM_000535.7(PMS2):c.1832T>G (p.Ile611Ser)

Gene: PMS2 (PMS1 homolog 2, mismatch repair system component; minus strand). Cytogenetic location: 7p22.1.
Variant type: single nucleotide variant.
Coding change: c.1832T>G on transcript NM_000535.7 (MANE Select); coding-DNA position 1832, T replaced by G.
Protein change: p.Ile611Ser; replaces isoleucine 611 with serine.
Molecular consequence: missense variant. On other transcripts: non-coding transcript variant (1).
Genome position (GRCh38, 1-based): chr7:5,986,933, A>C on the plus strand (T>G on the coding strand, the complement: PMS2 is on the minus strand). VCF-style: chr7-5986933-A-C. GRCh37 (hg19) VCF-style: chr7-6026564-A-C.
Other names: c.1427T>G, p.Ile476Ser (NM_001018040.1, NM_001322003.2, NM_001322004.2 and 17 more transcripts); c.1676T>G, p.Ile559Ser (NM_001322006.2, NM_001406870.1); c.1514T>G, p.Ile505Ser (NM_001322007.2, NM_001322008.2, NM_001406876.1 and 2 more transcripts); c.1271T>G, p.Ile424Ser (NM_001322010.2, NM_001406906.1, NM_001406907.1); c.899T>G, p.Ile300Ser (NM_001322011.2, NM_001322012.2); c.1259T>G, p.Ile420Ser (NM_001322013.2, NM_001406909.1); c.1832T>G, p.Ile611Ser (NM_001322014.2, NM_001406871.1, NM_001406872.1); c.1523T>G, p.Ile508Ser (NM_001322015.2, NM_001406875.1, NM_001406877.1 and 5 more transcripts); and 12 more; short protein forms I300S, I453S, I456S, I489S, I508S, I555S, I611S, I619S.
Identifiers: ClinVar variation 1780990 (VCV001780990.2), dbSNP rs1782966912, ClinGen allele CA366739676.